The following is an entry in ClinVar:

NM_000260.4(MYO7A):c.1623dup (p.Lys542fs)

Gene: MYO7A (myosin VIIA; plus strand). Cytogenetic location: 11q13.5.
Variant type: Duplication.
Coding change: c.1623dup on transcript NM_000260.4 (MANE Select); coding-DNA position 1623, one base duplicated (C; older notation c.1623dupC).
Protein change: p.Lys542fs; shifts the reading frame from lysine 542.
Molecular consequence: frameshift variant.
Genome position (GRCh38, 1-based): chr11:77,162,921, C duplicated; the last of 7 consecutive C bases (chr11:77,162,915-77,162,921); duplicating any one gives the same sequence. VCF-style (leftmost placement, unchanged base first): chr11-77162914-T-TC. GRCh37 (hg19) VCF-style: chr11-76873960-T-TC.
Other names: c.1623dupC (NM_000260.4, NM_000260.3); c.1623dup, p.Lys542fs (NM_001127180.2); c.1590dup, p.Lys531fs (NM_001369365.1); short protein forms K542fs, K531fs.
Identifiers: ClinVar variation 521129 (VCV000521129.25), dbSNP rs782077721, ClinGen allele CA6197531.
Genomic context (GRCh38, chr11:77,162,914, plus strand): 5'-GCACAGACACCACCATGTTACACAAGCTGAACTCCCAGCACAAGCTCAACGCCAACTACA[T>TC]CCCCCCCAAGAACAACCATGAGACCCAGTTTGGCATCAACCATTTTGCAGGCATCGTCTA-3'

ClinVar aggregate classification (germline): Pathogenic. Review status: criteria provided, multiple submitters, no conflicts (2 of 4 stars). 9 submissions from 9 submitters: Pathogenic (9). Last evaluated 2025-12-31.

Conditions:
MYO7A-related disorder. Also called: MYO7A-related disorders.
Autosomal recessive nonsyndromic hearing loss 2. Also called: DEAFNESS, AUTOSOMAL RECESSIVE 2; NEUROSENSORY NONSYNDROMIC RECESSIVE DEAFNESS 2. Identifiers: Orphanet 90636, MedGen C1838701, MONDO:0010807, OMIM 600060.
Usher syndrome type 1 (USH1). Also called: RETINITIS PIGMENTOSA AND CONGENITAL DEAFNESS. Identifiers: Orphanet 231169, Orphanet 886, MedGen C1568247, MONDO:0010168, OMIM 276900.
Autosomal dominant nonsyndromic hearing loss 11. Identifiers: Orphanet 90635, MedGen C1832475, MONDO:0011032, OMIM 601317.
Usher syndrome type 1B (USH1B). Also called: Usher syndrome type IB. Identifiers: MedGen C1848638, MONDO:0700087.
Inborn genetic diseases. Identifiers: MedGen C0950123, MeSH D030342.

Submissions (9):

Labcorp Genetics (formerly Invitae), Labcorp
Classification: Pathogenic. Last evaluated: 2025-12-31. Review status: criteria provided, single submitter. Criteria: Invitae Variant Classification Sherloc (09022015). Collection method: clinical testing. Allele origin: germline.
Comment: This sequence change creates a premature translational stop signal (p.Lys542Glnfs*5) in the MYO7A gene. It is expected to result in an absent or disrupted protein product. Loss-of-function variants in MYO7A are known to be pathogenic (PMID: 8900236, 25404053). This variant is present in population databases (rs782077721, gnomAD 0.005%). This premature translational stop signal has been observed in individuals with autosomal recessive MYO7A-related disease (PMID: 10930322, 27743452, 30459346). ClinVar contains an entry for this variant (Variation ID: 521129). For these reasons, this variant has been classified as Pathogenic.

PreventionGenetics, part of Exact Sciences
Classification: Pathogenic for MYO7A-related condition. Last evaluated: 2025-11-07. Review status: criteria provided, single submitter. Criteria: ACMG Guidelines, 2015. Collection method: clinical testing. Allele origin: germline.
Comment: The MYO7A c.1623dupC variant is predicted to result in a frameshift and premature protein termination (p.Lys542Glnfs*5). This variant was reported, in the homozygous state or in the heterozygous state with a second probable causative variant, in individuals with Usher syndrome (see, for example, Bharadwaj et al. 2000. PubMed ID: 10930322; Kletke et al. 2017. PubMed ID: 27743452; supplementary data, Galbis-Martínez et al. 2021. PubMed ID: 33576163). This variant is reported in 0.0033% of alleles in individuals of South Asian descent in gnomAD. Frameshift variants in MYO7A are expected to be pathogenic for autosomal recessive MYO7A-related disease. This variant is interpreted as pathogenic.

Natera, Inc.
Classification: Pathogenic for Usher syndrome type 1B. Last evaluated: 2025-05-22. Review status: criteria provided, single submitter. Criteria: Natera Variant Classification Schema (03/2026). Collection method: clinical testing. Allele origin: germline.
Comment: The c.1623dupC variant in MYO7A is a frameshift variant predicted to shift the reading frame beginning at codon 542 and leads to a stop codon 5 codons downstream. This variant is expected to result in nonsense mediated decay, truncation, or a dysfunctional protein product. This variant is rare in the general population with a frequency below the threshold expected for the associated phenotype(s). This variant has been observed in one or more individuals affected with the associated recessive disease, as either homozygous or compound heterozygous with a second variant (PMID: 10930322). Given the available evidence, this variant is classified as Pathogenic.

Ambry Genetics
Classification: Pathogenic for Inborn genetic diseases. Last evaluated: 2025-04-22. Review status: criteria provided, single submitter. Criteria: Ambry Variant Classification Scheme 2023. Collection method: clinical testing. Allele origin: germline.
Comment: The c.1623dupC (p.K542Qfs*5) alteration, located in exon 14 (coding exon 13) of the MYO7A gene, consists of a duplication of C at position 1623, causing a translational frameshift with a predicted alternate stop codon after 5 amino acids. This alteration is expected to result in loss of function by premature protein truncation or nonsense-mediated mRNA decay. for autosomal recessive Usher syndrome type 1 and autosomal recessive MYO7A-related nonsyndromic hearing loss; however, it is unlikely to be causative of autosomal dominant MYO7A-related nonsyndromic hearing loss. Although biallelic loss of function of MYO7A has been associated with autosomal recessive Usher syndrome type 1 and autosomal recessive MYO7A-related nonsyndromic hearing loss, haploinsufficiency of MYO7A has not been established as a mechanism of disease for autosomal dominant MYO7A-related nonsyndromic hearing loss. Based on data from gnomAD, the CC allele has an overall frequency of 0.001% (4/280206) total alleles studied. The highest observed frequency was 0.003% (1/30596) of South Asian alleles. This variant has been identified in the homozygous state and/or in conjunction with other MYO7A variants in individuals with features consistent with Usher syndrome type 1; in at least one instance, the variants were identified in trans (Bharadwaj, 2000; Kletke, 2017; Galbis-Mart&iacute;nez, 2021). Based on the available evidence, this alteration is classified as pathogenic.

Dasa
Classification: Pathogenic. Last evaluated: 2024-07-17. Review status: criteria provided, single submitter. Criteria: DASA Assertion Criteria. Collection method: clinical testing. Allele origin: germline.
Comment: NM_000260.4(MYO7A):c.1623dup (p.Lys542GlnfsTer5) introduces a premature termination codon predicted to result in loss of normal protein function. Loss-of-function is an established mechanism of disease for this gene. This variant has been recurrently observed in individuals with related phenotype (PMID: 10930322; PMID: 27743452). Multiple computational predictions support a deleterious effect on the gene or gene product. The variant is present at low frequency in population datasets. Based on the available data, this variant is classified as pathogenic.

Fulgent Genetics
Classification: Pathogenic for Usher syndrome type 1; Autosomal recessive nonsyndromic hearing loss 2; Autosomal dominant nonsyndromic hearing loss 11. Last evaluated: 2024-05-03. Review status: criteria provided, single submitter. Criteria: ACMG Guidelines, 2015. Collection method: clinical testing. Allele origin: germline.

GeneDx
Classification: Pathogenic. Last evaluated: 2021-04-14. Review status: criteria provided, single submitter. Criteria: GeneDx Variant Classification Process June 2021. Collection method: clinical testing. Allele origin: germline. Affected: yes.
Comment: Frameshift variant predicted to result in protein truncation or nonsense mediated decay in a gene for which loss-of-function is a known mechanism of disease; Not observed in large population cohorts (Lek et al., 2016); This variant is associated with the following publications: (PMID: 33576163, 10930322, 27743452)

Blueprint Genetics
Classification: Pathogenic for MYO7A-related disorders. Last evaluated: 2021-03-25. Review status: criteria provided, single submitter. Criteria: ACMG Guidelines, 2015. Collection method: clinical testing. Allele origin: germline. Affected: yes. Observed: 5 variant alleles.

Centre for Genomic Medicine, Manchester, Central Manchester University Hospitals
Classification: Pathogenic for Usher syndrome type 1. Last evaluated: 2019-02-01. Review status: criteria provided, single submitter. Criteria: ACMG Guidelines, 2015. Collection method: clinical testing. Allele origin: germline. Affected: yes. Observed: 1 heterozygote.

Literature cited by the submitters: PubMed 8900236 (cited by Labcorp Genetics (formerly Invitae), Labcorp); PubMed 25404053 (cited by Labcorp Genetics (formerly Invitae), Labcorp); PubMed 10930322 (cited by 4 submitters); PubMed 27743452 (cited by 3 submitters); PubMed 30459346 (cited by Labcorp Genetics (formerly Invitae), Labcorp); PubMed 33576163 (cited by Ambry Genetics).